The following is an entry in ClinVar:

NM_003978.5(PSTPIP1):c.1241A>T (p.Glu414Val)

Gene: PSTPIP1 (proline-serine-threonine phosphatase interacting protein 1; plus strand). Cytogenetic location: 15q24.3.
Variant type: single nucleotide variant.
Coding change: c.1241A>T on transcript NM_003978.5 (MANE Select); coding-DNA position 1241, A replaced by T.
Protein change: p.Glu414Val; replaces glutamic acid 414 with valine.
Molecular consequence: missense variant. On other transcripts: non-coding transcript variant (1).
Genome position (GRCh38, 1-based): chr15:77,037,166, A>T. VCF-style: chr15-77037166-A-T. GRCh37 (hg19) VCF-style: chr15-77329507-A-T.
Other names: c.1184A>T, p.Glu395Val (NM_001321135.2); c.1214A>T, p.Glu405Val (NM_001321136.2); c.1436A>T, p.Glu479Val (NM_001321137.1); short protein forms E414V, E479V, E395V, E405V.
Identifiers: ClinVar variation 1400170 (VCV001400170.8), dbSNP rs2152692961, ClinGen allele CA393522172.
Genomic context (GRCh38, chr15:77,037,166, plus strand): 5'-ATGGCTGGTGGACTGTGGAGAGGAACGGGCAGCGTGGCTTCGTCCCTGGTTCCTACCTGG[A>T]GAAGCTTTGAGGAAGGGCCAGGAGCCCCTTCGGACCTGCCCTGCCAGTGGAGCCAGCAGT-3'
Protein context (NP_003969.2, residues 404-416): QRGFVPGSYL[Glu414Val]KL

ClinVar aggregate classification (germline): Uncertain significance (1 of 4 stars; one submission).

Conditions:
Pyogenic arthritis-pyoderma gangrenosum-acne syndrome (PAPA). Also called: FAMILIAL RECURRENT ARTHRITIS; PAPA SYNDROME. Identifiers: Orphanet 69126, MedGen C1858361, MONDO:0011462, OMIM 604416.

gnomAD v4.1: 1 of 1,606,892 alleles (0.000062%); no homozygotes.

Submission:

Labcorp Genetics (formerly Invitae), Labcorp
Classification: Uncertain significance for Pyogenic arthritis-pyoderma gangrenosum-acne syndrome. Last evaluated: 2023-12-22. Review status: criteria provided, single submitter. Criteria: Invitae Variant Classification Sherloc (09022015). Collection method: clinical testing. Allele origin: germline.
Comment: This sequence change replaces glutamic acid, which is acidic and polar, with valine, which is neutral and non-polar, at codon 414 of the PSTPIP1 protein (p.Glu414Val). This variant is not present in population databases (gnomAD no frequency). This variant has not been reported in the literature in individuals affected with PSTPIP1-related conditions. ClinVar contains an entry for this variant (Variation ID: 1400170). Advanced modeling of protein sequence and biophysical properties (such as structural, functional, and spatial information, amino acid conservation, physicochemical variation, residue mobility, and thermodynamic stability) has been performed at Invitae for this missense variant, however the output from this modeling did not meet the statistical confidence thresholds required to predict the impact of this variant on PSTPIP1 protein function. In summary, the available evidence is currently insufficient to determine the role of this variant in disease. Therefore, it has been classified as a Variant of Uncertain Significance.